The following is an entry in ClinVar:

ClinVar aggregate classification (germline): Pathogenic/Likely pathogenic. Review status: criteria provided, multiple submitters, no conflicts (2 of 4 stars). 2 submissions from 2 submitters: Pathogenic (1); Likely pathogenic (1). Last evaluated 2026-03-23.

Conditions:
ODAD2-related disorder. Also called: ODAD2-related condition.
Primary ciliary dyskinesia 23 (CILD23). Also called: CILIARY DYSKINESIA, PRIMARY, 23, WITH OR WITHOUT SITUS INVERSUS. Identifiers: Orphanet 244, MedGen C3809548, MONDO:0014193, OMIM 615451.

Submissions (2):

PreventionGenetics, part of Exact Sciences
Classification: Likely pathogenic for ODAD2-related condition. Last evaluated: 2026-03-23. Review status: criteria provided, single submitter. Criteria: ACMG Guidelines, 2015. Collection method: clinical testing. Allele origin: germline.
Comment: The ODAD2 c.2912delA variant is predicted to result in a frameshift and premature protein termination (p.Tyr971Phefs*2). To our knowledge, this variant has not been reported in the literature. This variant is reported in 0.00088% of alleles in individuals of European (Non-Finnish) descent in gnomAD. Frameshift variants in ODAD2 are expected to be pathogenic. This variant is interpreted as likely pathogenic.

Labcorp Genetics (formerly Invitae), Labcorp
Classification: Pathogenic for Primary ciliary dyskinesia 23. Last evaluated: 2024-03-10. Review status: criteria provided, single submitter. Criteria: Invitae Variant Classification Sherloc (09022015). Collection method: clinical testing. Allele origin: germline.
Comment: This sequence change creates a premature translational stop signal (p.Tyr971Phefs*2) in the ARMC4 gene. It is expected to result in an absent or disrupted protein product. Loss-of-function variants in ARMC4 are known to be pathogenic (PMID: 23849778). This variant is present in population databases (rs754142424, gnomAD 0.0009%). This variant has not been reported in the literature in individuals affected with ARMC4-related conditions. Algorithms developed to predict the effect of sequence changes on RNA splicing suggest that this variant may disrupt the consensus splice site. For these reasons, this variant has been classified as Pathogenic.

Literature cited by the submitters: PubMed 23849778 (cited by Labcorp Genetics (formerly Invitae), Labcorp).

NM_018076.5(ODAD2):c.2912del (p.Tyr971fs)

Gene: ODAD2 (outer dynein arm docking complex subunit 2; minus strand). Cytogenetic location: 10p12.1.
Variant type: Deletion.
Coding change: c.2912del on transcript NM_018076.5 (MANE Select); coding-DNA position 2912, one base deleted (A; older notation c.2912delA).
Protein change: p.Tyr971fs; shifts the reading frame from tyrosine 971.
Molecular consequence: frameshift variant.
Genome position (GRCh38, 1-based): chr10:27,860,734, T deleted on the plus strand (A on the coding strand, the reverse complement: ODAD2 is on the minus strand). VCF-style (leftmost placement, unchanged base first): chr10-27860733-AT-A. GRCh37 (hg19) VCF-style: chr10-28149662-AT-A.
Other names: c.2912del, p.Tyr971fs (NM_001290020.2); c.1487del, p.Tyr496fs (NM_001290021.2); c.1988del, p.Tyr663fs (NM_001312689.2); c.2912delA (NM_018076.4); short protein forms Y663fs, Y971fs, Y496fs.
Identifiers: ClinVar variation 3653518 (VCV003653518.3).